The following is an entry in ClinVar:

NM_021614.4(KCNN2):c.637A>G (p.Met213Val)

Gene: KCNN2 (potassium calcium-activated channel subfamily N member 2; plus strand). Cytogenetic location: 5q22.3.
Variant type: single nucleotide variant.
Coding change: c.637A>G on transcript NM_021614.4 (MANE Select); coding-DNA position 637, A replaced by G.
Protein change: p.Met213Val; replaces methionine 213 with valine.
Molecular consequence: missense variant. On other transcripts: non-coding transcript variant (1).
Genome position (GRCh38, 1-based): chr5:114,362,776, A>G. VCF-style: chr5-114362776-A-G. GRCh37 (hg19) VCF-style: chr5-113698473-A-G.
Other names: c.835A>G, p.Met279Val (NM_001372233.1); short protein forms M213V, M279V.
Identifiers: ClinVar variation 2502471 (VCV002502471.1), dbSNP rs1296103242, ClinGen allele CA360703009.

ClinVar aggregate classification (germline): Uncertain significance (1 of 4 stars; one submission).

gnomAD v4.1: 1 of 1,586,036 alleles (0.000063%); highest among the groups gnomAD compares: Non-Finnish European, 0.000085%; no homozygotes.

Submission:

GeneDx
Classification: Uncertain significance. Last evaluated: 2022-11-21. Review status: criteria provided, single submitter. Criteria: GeneDx Variant Classification Process June 2021. Collection method: clinical testing. Allele origin: germline. Affected: yes.
Comment: Not observed at significant frequency in large population cohorts (gnomAD); Initiation codon variant with an unclear effect on protein function; Has not been previously published as pathogenic or benign to our knowledge